The following is an entry in ClinVar:

ClinVar aggregate classification (germline): Uncertain significance (1 of 4 stars; one submission).

gnomAD v4.1: 3 of 1,613,908 alleles (0.00019%); highest among the groups gnomAD compares: Non-Finnish European, 0.00025%; no homozygotes.

Submission:

Mayo Clinic Laboratories, Mayo Clinic
Classification: Uncertain significance. Last evaluated: 2023-11-13. Review status: criteria provided, single submitter. Criteria: ACMG Guidelines, 2015. Collection method: clinical testing. Allele origin: germline. Observed: 1 variant allele.
Comment: PP2, PM2_moderate

NM_003632.3(CNTNAP1):c.3559C>T (p.Arg1187Cys)

Gene: CNTNAP1 (contactin associated protein 1; plus strand). Cytogenetic location: 17q21.2.
Variant type: single nucleotide variant.
Coding change: c.3559C>T on transcript NM_003632.3 (MANE Select); coding-DNA position 3559, C replaced by T.
Protein change: p.Arg1187Cys; replaces arginine 1187 with cysteine.
Molecular consequence: missense variant.
Genome position (GRCh38, 1-based): chr17:42,697,358, C>T. VCF-style: chr17-42697358-C-T. GRCh37 (hg19) VCF-style: chr17-40849376-C-T.
Other names: p.Arg1187Cys; short protein forms R1187C.
Identifiers: ClinVar variation 3380490 (VCV003380490.1).